The following is an entry in ClinVar:

NM_006204.4(PDE6C):c.33A>T (p.Lys11Asn)

Gene: PDE6C (phosphodiesterase 6C; plus strand). Cytogenetic location: 10q23.33.
Variant type: single nucleotide variant.
Coding change: c.33A>T on transcript NM_006204.4 (MANE Select); coding-DNA position 33, A replaced by T.
Protein change: p.Lys11Asn; replaces lysine 11 with asparagine.
Molecular consequence: missense variant.
Genome position (GRCh38, 1-based): chr10:93,612,758, A>T. VCF-style: chr10-93612758-A-T. GRCh37 (hg19) VCF-style: chr10-95372515-A-T.
Other names: short protein forms K11N.
Identifiers: ClinVar variation 1468972 (VCV001468972.6), dbSNP rs951947945, ClinGen allele CA211567879.

ClinVar aggregate classification (germline): Uncertain significance (1 of 4 stars; one submission).

Allele frequency attached by ClinVar (database versions not stated): gnomAD exomes below 0.00001 and 0.00001; TOPMed 0.00001.
gnomAD v4.1: 9 of 1,614,136 alleles (0.00056%); highest among the groups gnomAD compares: Non-Finnish European, 0.00076%; no homozygotes.

Submission:

Labcorp Genetics (formerly Invitae), Labcorp
Classification: Uncertain significance. Last evaluated: 2023-11-27. Review status: criteria provided, single submitter. Criteria: Invitae Variant Classification Sherloc (09022015). Collection method: clinical testing. Allele origin: germline.
Comment: This sequence change replaces lysine, which is basic and polar, with asparagine, which is neutral and polar, at codon 11 of the PDE6C protein (p.Lys11Asn). This variant is present in population databases (no rsID available, gnomAD 0.0009%). This variant has not been reported in the literature in individuals affected with PDE6C-related conditions. ClinVar contains an entry for this variant (Variation ID: 1468972). An algorithm developed to predict the effect of missense changes on protein structure and function (PolyPhen-2) suggests that this variant is likely to be tolerated. In summary, the available evidence is currently insufficient to determine the role of this variant in disease. Therefore, it has been classified as a Variant of Uncertain Significance.